The following is an entry in ClinVar:

ClinVar aggregate classification (germline): Likely pathogenic (1 of 4 stars; one submission).

Conditions:
Dilated cardiomyopathy 1G (CMD1G). Identifiers: Orphanet 154, MedGen C1858763, MONDO:0011400, OMIM 604145.
Autosomal recessive limb-girdle muscular dystrophy type 2J (LGMDR10). Also called: Limb-girdle muscular dystrophy, type 2J; MUSCULAR DYSTROPHY, LIMB-GIRDLE, AUTOSOMAL RECESSIVE 10. Identifiers: Orphanet 140922, MedGen C1837342, MONDO:0012127, OMIM 608807.

Submission:

Labcorp Genetics (formerly Invitae), Labcorp
Classification: Likely pathogenic for Dilated cardiomyopathy 1G; Autosomal recessive limb-girdle muscular dystrophy type 2J. Last evaluated: 2022-04-13. Review status: criteria provided, single submitter. Criteria: Invitae Variant Classification Sherloc (09022015). Collection method: clinical testing. Allele origin: germline.
Comment: This variant has not been reported in the literature in individuals affected with TTN-related conditions. This sequence change creates a premature translational stop signal (p.Ala18177Hisfs*8) in the TTN gene. While this is not anticipated to result in nonsense mediated decay, it is expected to create a truncated TTN protein. This variant is not present in population databases (gnomAD no frequency). This variant is located in the A band of TTN (PMID: 25589632). Truncating variants in this region are significantly overrepresented in patients affected with dilated cardiomyopathy (PMID: 25589632). Truncating variants in this region have also been reported in individuals affected with autosomal recessive centronuclear myopathy (PMID: 23975875). In summary, the currently available evidence indicates that the variant is pathogenic, but additional data are needed to prove that conclusively. Therefore, this variant has been classified as Likely Pathogenic.

Literature cited by the submitters: PubMed 25589632; PubMed 23975875.

NM_001267550.2(TTN):c.54529del (p.Ala18177fs)

Genes: TTN (titin; minus strand), TTN-AS1 (TTN antisense RNA 1; plus strand). Cytogenetic location: 2q31.2.
Variant type: Deletion.
Coding change: c.54529del on transcript NM_001267550.2 (MANE Select); coding-DNA position 54529, one base deleted (G; older notation c.54529delG).
Protein change: p.Ala18177fs; shifts the reading frame from alanine 18177.
Molecular consequence: frameshift variant.
Genome position (GRCh38, 1-based): chr2:178,604,158, C deleted on the plus strand (G on the coding strand, the reverse complement: TTN is on the minus strand); the first of 2 consecutive C bases (chr2:178,604,158-178,604,159); deleting either gives the same sequence. VCF-style (leftmost placement, unchanged base first): chr2-178604157-GC-G. GRCh37 (hg19) VCF-style: chr2-179468884-GC-G.
Other names: c.49606del, p.Ala16536fs (NM_001256850.1); c.27334del, p.Ala9112fs (NM_003319.4); c.46825del, p.Ala15609fs (NM_133378.4); c.27709del, p.Ala9237fs (NM_133432.3); c.27910del, p.Ala9304fs (NM_133437.4); short protein forms A9112fs, A15609fs, A9237fs, A9304fs, A16536fs, A18177fs.
Identifiers: ClinVar variation 2125897 (VCV002125897.4), dbSNP rs2470121232, ClinGen allele CA2580064903.